The following is an entry in ClinVar:

NM_015102.5(NPHP4):c.446A>G (p.Asp149Gly)

Gene: NPHP4 (nephrocystin 4; minus strand). Cytogenetic location: 1p36.31.
Variant type: single nucleotide variant.
Coding change: c.446A>G on transcript NM_015102.5 (MANE Select); coding-DNA position 446, A replaced by G.
Protein change: p.Asp149Gly; replaces aspartic acid 149 with glycine.
Molecular consequence: missense variant. On other transcripts: 5 prime UTR variant (2), non-coding transcript variant (1).
Genome position (GRCh38, 1-based): chr1:5,969,093, T>C on the plus strand (A>G on the coding strand, the complement: NPHP4 is on the minus strand). VCF-style: chr1-5969093-T-C. GRCh37 (hg19) VCF-style: chr1-6029153-T-C.
Other names: c.-784A>G (NM_001291593.2); c.-921A>G (NM_001291594.2); short protein forms D149G.
Identifiers: ClinVar variation 2060315 (VCV002060315.4), dbSNP rs1213879328, ClinGen allele CA338050041.

ClinVar aggregate classification (germline): Uncertain significance (1 of 4 stars; one submission).

Conditions:
Nephronophthisis. Also called: Juvenile Nephronophthisis. Identifiers: Orphanet 655, MedGen C0687120, MONDO:0019005, HP:0000090.

Allele frequency attached by ClinVar (database versions not stated): gnomAD exomes below 0.00001; gnomAD 0.00001.
gnomAD v4.1: 2 of 1,547,840 alleles (0.00013%); highest among the groups gnomAD compares: Non-Finnish European, 0.00017%; no homozygotes.

Submission:

Labcorp Genetics (formerly Invitae), Labcorp
Classification: Uncertain significance for Nephronophthisis. Last evaluated: 2024-12-02. Review status: criteria provided, single submitter. Criteria: Invitae Variant Classification Sherloc (09022015). Collection method: clinical testing. Allele origin: germline.
Comment: This sequence change replaces aspartic acid, which is acidic and polar, with glycine, which is neutral and non-polar, at codon 149 of the NPHP4 protein (p.Asp149Gly). This variant is present in population databases (no rsID available, gnomAD 0.007%). This variant has not been reported in the literature in individuals affected with NPHP4-related conditions. ClinVar contains an entry for this variant (Variation ID: 2060315). Invitae Evidence Modeling of protein sequence and biophysical properties (such as structural, functional, and spatial information, amino acid conservation, physicochemical variation, residue mobility, and thermodynamic stability) has been performed for this missense variant. However, the output from this modeling did not meet the statistical confidence thresholds required to predict the impact of this variant on NPHP4 protein function. In summary, the available evidence is currently insufficient to determine the role of this variant in disease. Therefore, it has been classified as a Variant of Uncertain Significance.